The following is an entry in ClinVar:

NM_000276.4(OCRL):c.164T>C (p.Ile55Thr)

Gene: OCRL (OCRL inositol polyphosphate-5-phosphatase; plus strand). Cytogenetic location: Xq26.1.
Variant type: single nucleotide variant.
Coding change: c.164T>C on transcript NM_000276.4 (MANE Select); coding-DNA position 164, T replaced by C.
Protein change: p.Ile55Thr; replaces isoleucine 55 with threonine.
Molecular consequence: missense variant.
Genome position (GRCh38, 1-based): chrX:129,545,002, T>C. VCF-style: chrX-129545002-T-C. GRCh37 (hg19) VCF-style: chrX-128678979-T-C.
Other names: c.167T>C, p.Ile56Thr (NM_001318784.2); c.164T>C, p.Ile55Thr (NM_001587.4); short protein forms I55T, I56T.
Identifiers: ClinVar variation 1416798 (VCV001416798.6), dbSNP rs1278754966, ClinGen allele CA414550576.

ClinVar aggregate classification (germline): Uncertain significance. Review status: criteria provided, multiple submitters, no conflicts (2 of 4 stars). 2 submissions from 2 submitters: Uncertain significance (2). Last evaluated 2022-01-25.

Conditions:
Lowe syndrome (OCRL). Also called: LOWE OCULOCEREBRORENAL SYNDROME; PHOSPHATIDYLINOSITOL 4,5-BISPHOSPHATE 5-PHOSPHATASE DEFICIENCY; Oculocerebrorenal Syndrome. Identifiers: Orphanet 534, MedGen C0028860, MONDO:0010645, OMIM 309000.
Dent disease type 2. Identifiers: Orphanet 1652, Orphanet 93623, MedGen C1845167, MONDO:0010359, OMIM 300555.

Allele frequency attached by ClinVar (database versions not stated): TOPMed below 0.00001; gnomAD 0.00001; gnomAD exomes 0.00001.
gnomAD v4.1: 12 of 1,152,158 alleles (0.001%); highest among the groups gnomAD compares: African/African-American, 0.0036%; no homozygotes.

Submissions (2):

Fulgent Genetics
Classification: Uncertain significance for Dent disease type 2; Lowe syndrome. Last evaluated: 2022-01-25. Review status: criteria provided, single submitter. Criteria: ACMG Guidelines, 2015. Collection method: clinical testing. Allele origin: unknown.

Labcorp Genetics (formerly Invitae), Labcorp
Classification: Uncertain significance for Lowe syndrome. Last evaluated: 2021-10-05. Review status: criteria provided, single submitter. Criteria: Invitae Variant Classification Sherloc (09022015). Collection method: clinical testing. Allele origin: germline.
Comment: In summary, the available evidence is currently insufficient to determine the role of this variant in disease. Therefore, it has been classified as a Variant of Uncertain Significance. Advanced modeling of protein sequence and biophysical properties (such as structural, functional, and spatial information, amino acid conservation, physicochemical variation, residue mobility, and thermodynamic stability) performed at Invitae indicates that this missense variant is not expected to disrupt OCRL protein function. This variant has not been reported in the literature in individuals affected with OCRL-related conditions. This variant is not present in population databases (ExAC no frequency). This sequence change replaces isoleucine with threonine at codon 55 of the OCRL protein (p.Ile55Thr). The isoleucine residue is moderately conserved and there is a moderate physicochemical difference between isoleucine and threonine.